The following is an entry in ClinVar:

ClinVar aggregate classification (germline): Benign/Likely benign. Review status: criteria provided, multiple submitters, no conflicts (2 of 4 stars). 4 submissions from 4 submitters: Benign (2); Likely benign (2). Last evaluated 2025-02-23.

Conditions:
Developmental and epileptic encephalopathy, 36 (DEE36). Also called: ALG13-CDG; Congenital disorder of glycosylation, type Is; Epileptic encephalopathy, early infantile, 36. Identifiers: Orphanet 324422, MedGen C4317295, MONDO:0010472, OMIM 300884.

Allele frequency attached by ClinVar (database versions not stated): gnomAD below 0.00001 and 0.00002; gnomAD exomes 0.00016 and 0.00032; 1000 Genomes Project 0.00053; 1000 Genomes Project 30x 0.00083; ExAC 0.00096.
gnomAD v4.1: 149 of 1,046,194 alleles (0.014%); highest among the groups gnomAD compares: South Asian, 0.33%; 1 homozygote.

Submissions (4):

Labcorp Genetics (formerly Invitae), Labcorp
Classification: Benign for Developmental and epileptic encephalopathy, 36. Last evaluated: 2025-02-23. Review status: criteria provided, single submitter. Criteria: Invitae Variant Classification Sherloc (09022015). Collection method: clinical testing. Allele origin: germline.

Blueprint Genetics
Classification: Likely benign. Last evaluated: 2023-09-11. Review status: criteria provided, single submitter. Criteria: ACMG Guidelines, 2015. Collection method: clinical testing. Allele origin: germline.

Genome-Nilou Lab
Classification: Benign for Developmental and epileptic encephalopathy, 36. Last evaluated: 2021-12-05. Review status: criteria provided, single submitter. Criteria: ACMG Guidelines, 2015. Collection method: clinical testing. Allele origin: germline. Affected: no.

GeneDx
Classification: Likely benign. Last evaluated: 2016-11-22. Review status: criteria provided, single submitter. Criteria: GeneDx Variant Classification (06012015). Collection method: clinical testing. Allele origin: germline. Affected: yes.
Comment: This variant is considered likely benign or benign based on one or more of the following criteria: it is a conservative change, it occurs at a poorly conserved position in the protein, it is predicted to be benign by multiple in silico algorithms, and/or has population frequency not consistent with disease.

NM_001099922.3(ALG13):c.1601+11G>A

Gene: ALG13 (ALG13 UDP-N-acetylglucosaminyltransferase subunit; plus strand). Cytogenetic location: Xq23.
Variant type: single nucleotide variant.
Coding change: c.1601+11G>A on transcript NM_001099922.3 (MANE Select); 11 bases into the intron after coding-DNA position 1601, G replaced by A.
Molecular consequence: intron variant.
Genome position (GRCh38, 1-based): chrX:111,723,909, G>A. VCF-style: chrX-111723909-G-A. GRCh37 (hg19) VCF-style: chrX-110967137-G-A.
Other names: c.1289+11G>A (NM_001257237.2, NM_001257234.2, NM_001257230.2); c.1115+11G>A (NM_001324293.1); c.1367+11G>A (NM_001257231.2); c.1601+11G>A (NM_001324292.2).
Identifiers: ClinVar variation 390884 (VCV000390884.11), dbSNP rs770867470, ClinGen allele CA10493730.
Genomic context (GRCh38, chrX:111,723,909, plus strand): 5'-GGAAATGAGAACAATTCAGTAACAGTCTTCATTGAAGAATTGGCGGAAAAGTAGGAATAT[G>A]ATAATTTGTTGAATTACTGAAATCTTTGGTTCCTGGTTCCATTTCGTAATATTAAATTGA-3'